The following is an entry in ClinVar:

NM_006225.4(PLCD1):c.903A>G (p.Pro301=)

Gene: PLCD1 (phospholipase C delta 1; minus strand). Cytogenetic location: 3p22.2.
Variant type: single nucleotide variant.
Coding change: c.903A>G on transcript NM_006225.4 (MANE Select); coding-DNA position 903, A replaced by G.
Protein change: p.Pro301=; no amino-acid change (proline 301 retained).
Molecular consequence: synonymous variant. On other transcripts: non-coding transcript variant (1).
Genome position (GRCh38, 1-based): chr3:38,010,450, T>C on the plus strand (A>G on the coding strand, the complement: PLCD1 is on the minus strand). VCF-style: chr3-38010450-T-C. GRCh37 (hg19) VCF-style: chr3-38051941-T-C.
Other names: c.966A>G, p.Pro322= (NM_001130964.2).
Identifiers: ClinVar variation 1244265 (VCV001244265.5), dbSNP rs9857730, ClinGen allele CA2313218.

ClinVar aggregate classification (germline): Benign. Review status: criteria provided, multiple submitters, no conflicts (2 of 4 stars). 3 submissions from 3 submitters: Benign (2). 1 of the submissions does not count toward it. Last evaluated 2020-04-30.

Conditions:
PLCD1-related disorder. Also called: PLCD1-related condition.

Allele frequency attached by ClinVar (database versions not stated): gnomAD exomes 0.20716 and 0.21624; ExAC 0.22125; 1000 Genomes Project 0.26677; gnomAD 0.27355 and 0.27725; 1000 Genomes Project 30x 0.27374; TOPMed 0.28233; ESP Exome Variant Server 0.29755.
gnomAD v4.1: 357,946 of 1,613,788 alleles (22%); highest among the groups gnomAD compares: African/African-American, 48%; 43,697 homozygotes.

Submissions (3):

GeneDx
Classification: Benign. Last evaluated: 2020-04-30. Review status: criteria provided, single submitter. Criteria: GeneDx Variant Classification Process June 2021. Collection method: clinical testing. Allele origin: germline. Affected: yes.
Comment: This variant is associated with the following publications: (PMID: 31082376)

Breakthrough Genomics
Classification: Benign. Review status: criteria provided, single submitter. Criteria: ACMG Guidelines, 2015. Collection method: not provided. Allele origin: germline. Inheritance: Autosomal dominant inheritance. Affected: yes.

PreventionGenetics, part of Exact Sciences
Classification: Benign for PLCD1-related condition. Last evaluated: 2024-01-19. Review status: no assertion criteria provided. Collection method: clinical testing. Allele origin: germline. Not counted in ClinVar's aggregate classification.
Comment: This variant is classified as benign based on ACMG/AMP sequence variant interpretation guidelines (Richards et al. 2015 PMID: 25741868, with internal and published modifications).